The following is an entry in ClinVar:

ClinVar aggregate classification (germline): Uncertain significance (1 of 4 stars; one submission).

gnomAD v4.1: 3 of 1,610,172 alleles (0.00019%); highest among the groups gnomAD compares: East Asian, 0.0022%; no homozygotes.

Submission:

Women's Health and Genetics/Laboratory Corporation of America, LabCorp
Classification: Uncertain significance. Last evaluated: 2023-09-06. Review status: criteria provided, single submitter. Criteria: LabCorp Variant Classification Summary - May 2015. Collection method: clinical testing. Allele origin: germline.
Comment: Variant summary: TTN c.48770G>C (p.Arg16257Thr) results in a non-conservative amino acid change located in the A band region of the encoded protein sequence. Three of four in-silico tools predict a damaging effect of the variant on protein function. The variant was absent in 245208 control chromosomes (gnomAD). The available data on variant occurrences in the general population are insufficient to allow any conclusion about variant significance. To our knowledge, no occurrence of c.48770G>C in individuals affected with Limb-Girdle Muscular Dystrophy, Type 2J and no experimental evidence demonstrating its impact on protein function have been reported. No submitters have cited clinical-significance assessments for this variant to ClinVar after 2014. Based on the evidence outlined above, the variant was classified as uncertain significance.

NM_001267550.2(TTN):c.56474G>C (p.Arg18825Thr)

Genes: TTN (titin; minus strand), TTN-AS1 (TTN antisense RNA 1; plus strand). Cytogenetic location: 2q31.2.
Variant type: single nucleotide variant.
Coding change: c.56474G>C on transcript NM_001267550.2 (MANE Select); coding-DNA position 56474, G replaced by C.
Protein change: p.Arg18825Thr; replaces arginine 18825 with threonine.
Molecular consequence: missense variant.
Genome position (GRCh38, 1-based): chr2:178,599,319, C>G on the plus strand (G>C on the coding strand, the complement: TTN is on the minus strand). VCF-style: chr2-178599319-C-G. GRCh37 (hg19) VCF-style: chr2-179464046-C-G.
Other names: c.51551G>C, p.Arg17184Thr (NM_001256850.1); c.29279G>C, p.Arg9760Thr (NM_003319.4); c.48770G>C, p.Arg16257Thr (NM_133378.4); c.29654G>C, p.Arg9885Thr (NM_133432.3); c.29855G>C, p.Arg9952Thr (NM_133437.4); short protein forms R16257T, R17184T, R18825T, R9760T, R9885T, R9952T.
Identifiers: ClinVar variation 2627137 (VCV002627137.1), dbSNP rs2469888112, ClinGen allele CA349531798.
Genomic context (GRCh38, chr2:178,599,319, plus strand): 5'-GTGTACGTGCACTCCTTAGGTTCACTGGAGACATGGACCCATGTCTTCCTGTTAGCTTCT[C>G]TTTTCTCAATTACATAGTTTGTAATCTTAGACCCACCATCATCTTTAGGTGGAAACCAAG-3'
Protein context (NP_001254479.2, residues 18815-18835): SKITNYVIEK[Arg18825Thr]EANRKTWVHV